The following is an entry in ClinVar:

ClinVar aggregate classification (germline): Pathogenic/Likely pathogenic. Review status: criteria provided, multiple submitters, no conflicts (2 of 4 stars). 2 submissions from 2 submitters: Pathogenic (1); Likely pathogenic (1). Last evaluated 2024-04-30.

Conditions:
Microcephaly 1, primary, autosomal recessive (MCPH1). Also called: PREMATURE CHROMOSOME CONDENSATION SYNDROME; PCC SYNDROME; PREMATURE CHROMOSOME CONDENSATION WITH MICROCEPHALY AND MENTAL RETARDATION. Identifiers: Orphanet 2512, MedGen C1855081, MONDO:0009617, OMIM 251200.

Submissions (2):

Fulgent Genetics
Classification: Likely pathogenic for Microcephaly 1, primary, autosomal recessive. Last evaluated: 2024-04-30. Review status: criteria provided, single submitter. Criteria: ACMG Guidelines, 2015. Collection method: clinical testing. Allele origin: germline.

Labcorp Genetics (formerly Invitae), Labcorp
Classification: Pathogenic. Last evaluated: 2023-09-27. Review status: criteria provided, single submitter. Criteria: Invitae Variant Classification Sherloc (09022015). Collection method: clinical testing. Allele origin: germline.
Comment: For these reasons, this variant has been classified as Pathogenic. This variant has not been reported in the literature in individuals affected with MCPH1-related conditions. This variant is present in population databases (no rsID available, gnomAD 0.01%). This sequence change creates a premature translational stop signal (p.Ser276Hisfs*16) in the MCPH1 gene. It is expected to result in an absent or disrupted protein product. Loss-of-function variants in MCPH1 are known to be pathogenic (PMID: 20978018).

Literature cited by the submitters: PubMed 20978018 (cited by Labcorp Genetics (formerly Invitae), Labcorp).

NM_024596.5(MCPH1):c.826_829del (p.Ser276fs)

Gene: MCPH1 (microcephalin 1; plus strand). Cytogenetic location: 8p23.1.
Variant type: Microsatellite.
Coding change: c.826_829del on transcript NM_024596.5 (MANE Select); coding-DNA positions 826 to 829, 4 bases deleted (TCAT; older notation c.826_829delTCAT).
Protein change: p.Ser276fs; shifts the reading frame from serine 276.
Molecular consequence: frameshift variant. On other transcripts: non-coding transcript variant (1).
Genome position (GRCh38, 1-based): chr8:6,444,548-6,444,551, TCAT deleted; deleting any 4 consecutive bases within chr8:6,444,542-6,444,551 gives the same sequence; the c. name uses the placement nearest the transcript's 3' end. VCF-style (leftmost placement, unchanged base first): chr8-6444541-TATTC-T. GRCh37 (hg19) VCF-style: chr8-6302062-TATTC-T.
Other names: c.826_829del, p.Ser276fs (NM_001172574.2, NM_001322042.2, NM_001363979.1 and 3 more transcripts); c.682_685del, p.Ser228fs (NM_001172575.2); c.820_823del, p.Ser274fs (NM_001322043.2); c.724_727del, p.Ser242fs (NM_001322045.2); short protein forms S242fs, S276fs, S274fs, S228fs.
Identifiers: ClinVar variation 2879442 (VCV002879442.4), dbSNP rs1563216932, ClinGen allele CA580027953.
Genomic context (GRCh38, chr8:6,444,541, plus strand): 5'-ATCCATTAATGACATTAAAAGTGATGTGTGTATTTCTTCACTTGTATTGAAAGCAAATAA[TATTC>T]ATTCATCACCATCTTTCACTCACCTCGATAAATCAAGTCCTCAGAAATTTCTGAGTAATC-3'